The following is an entry in ClinVar:

NM_000318.3(PEX2):c.205A>G (p.Ile69Val)

Gene: PEX2 (peroxisomal biogenesis factor 2; minus strand). Cytogenetic location: 8q21.13.
Variant type: single nucleotide variant.
Coding change: c.205A>G on transcript NM_000318.3 (MANE Select); coding-DNA position 205, A replaced by G.
Protein change: p.Ile69Val; replaces isoleucine 69 with valine.
Molecular consequence: missense variant.
Genome position (GRCh38, 1-based): chr8:76,983,974, T>C on the plus strand (A>G on the coding strand, the complement: PEX2 is on the minus strand). VCF-style: chr8-76983974-T-C. GRCh37 (hg19) VCF-style: chr8-77896210-T-C.
Other names: c.205A>G, p.Ile69Val (NM_001079867.2, NM_001172086.2, NM_001172087.2); c.205A>G (NM_000318.2); short protein forms I69V.
Identifiers: ClinVar variation 1428721 (VCV001428721.4), dbSNP rs747866716, ClinGen allele CA4788754.

ClinVar aggregate classification (germline): Uncertain significance. Review status: criteria provided, multiple submitters, no conflicts (2 of 4 stars). 2 submissions from 2 submitters: Uncertain significance (2). Last evaluated 2022-06-30.

Conditions:
Inborn genetic diseases. Identifiers: MedGen C0950123, MeSH D030342.
Peroxisome biogenesis disorder 5A (Zellweger) (PBD5A). Identifiers: Orphanet 912, MedGen C3553940, MONDO:0013932, OMIM 614866.

Allele frequency attached by ClinVar (database versions not stated): gnomAD 0.00001; gnomAD exomes 0.00001 and 0.00002; TOPMed 0.00001; ExAC 0.00003.
gnomAD v4.1: 19 of 1,614,030 alleles (0.0012%); highest among the groups gnomAD compares: Admixed American, 0.0017%; no homozygotes.

Submissions (2):

Labcorp Genetics (formerly Invitae), Labcorp
Classification: Uncertain significance for Peroxisome biogenesis disorder 5A (Zellweger). Last evaluated: 2022-06-30. Review status: criteria provided, single submitter. Criteria: Invitae Variant Classification Sherloc (09022015). Collection method: clinical testing. Allele origin: germline.
Comment: This sequence change replaces isoleucine, which is neutral and non-polar, with valine, which is neutral and non-polar, at codon 69 of the PEX2 protein (p.Ile69Val). This variant is present in population databases (rs747866716, gnomAD 0.004%). This variant has not been reported in the literature in individuals affected with PEX2-related conditions. ClinVar contains an entry for this variant (Variation ID: 1428721). Algorithms developed to predict the effect of missense changes on protein structure and function output the following: SIFT: "Tolerated"; PolyPhen-2: "Benign"; Align-GVGD: "Class C0". The valine amino acid residue is found in multiple mammalian species, which suggests that this missense change does not adversely affect protein function. In summary, the available evidence is currently insufficient to determine the role of this variant in disease. Therefore, it has been classified as a Variant of Uncertain Significance.

Ambry Genetics
Classification: Uncertain significance for Inborn genetic diseases. Last evaluated: 2021-11-16. Review status: criteria provided, single submitter. Criteria: Ambry Variant Classification Scheme 2023. Collection method: clinical testing. Allele origin: germline.